The following is an entry in ClinVar:

ClinVar aggregate classification (germline): Conflicting classifications of pathogenicity. Review status: criteria provided, conflicting classifications (1 of 4 stars). 5 submissions from 5 submitters: Uncertain significance (4); Likely benign (1). Last evaluated 2026-03-20.

Conditions:
Hereditary breast ovarian cancer syndrome. Also called: Hereditary breast and ovarian cancer; Hereditary breast and ovarian cancer syndrome (HBOC); Hereditary breast and ovarian cancer syndrome; Breast and ovarian cancer; Hereditary breast and/or ovarian cancer syndrome; BRCA1- and BRCA2-Associated Hereditary Breast and Ovarian Cancer. Identifiers: Orphanet 145, MedGen C0677776, MeSH D061325, MONDO:0003582. Disease mechanism: loss of function.
Breast-ovarian cancer, familial, susceptibility to, 2 (BROVCA2). Also called: BRCA2 Hereditary Breast and Ovarian Cancer. Identifiers: Orphanet 145, MedGen C2675520, MONDO:0012933, OMIM 612555. Disease mechanism: loss of function.
Hereditary cancer-predisposing syndrome. Also called: Tumor predisposition; Hereditary Cancer Syndrome; Neoplastic Syndromes, Hereditary; Hereditary neoplastic syndrome. Identifiers: Orphanet 140162, MedGen C0027672, MeSH D009386, MONDO:0015356.

Allele frequency attached by ClinVar (database versions not stated): gnomAD exomes below 0.00001.
gnomAD v4.1: 1 of 1,611,214 alleles (0.000062%); highest among the groups gnomAD compares: Admixed American, 0.0017%; no homozygotes.

Submissions (5):

Ambry Genetics
Classification: Uncertain significance for Hereditary cancer-predisposing syndrome. Last evaluated: 2026-03-20. Review status: criteria provided, single submitter. Criteria: Ambry Variant Classification Scheme 2023. Collection method: clinical testing. Allele origin: germline.
Comment: The p.P453R variant (also known as c.1358C>G), located in coding exon 9 of the BRCA2 gene, results from a C to G substitution at nucleotide position 1358. The proline at codon 453 is replaced by arginine, an amino acid with dissimilar properties. This amino acid position is not well conserved in available vertebrate species. In addition, this alteration is predicted to be tolerated by in silico analysis. Based on the available evidence, the clinical significance of this variant remains unclear.

All of Us Research Program, National Institutes of Health
Classification: Uncertain significance for Breast-ovarian cancer, familial, susceptibility to, 2. Last evaluated: 2023-05-16. Review status: criteria provided, single submitter. Criteria: ACMG Guidelines, 2015. Collection method: clinical testing. Allele origin: germline. Inheritance: Autosomal dominant inheritance. Observed: 1 variant allele, 1 heterozygote.
Comment: This missense variant replaces proline with arginine at codon 453 of the BRCA2 protein. Computational prediction suggests that this variant may not impact protein structure and function (internally defined REVEL score threshold <= 0.5, PMID: 27666373). To our knowledge, functional studies have not been reported for this variant. This variant has not been reported in individuals affected with BRCA2-related disorders in the literature. This variant has not been identified in the general population by the Genome Aggregation Database (gnomAD). The available evidence is insufficient to determine the role of this variant in disease conclusively. Therefore, this variant is classified as a Variant of Uncertain Significance.

This study involves interpretation of variants in research participants for the purpose of population health screening. Participant phenotype was not available at the time of variant classification. Additional details can be found in publication PMID: 35346344, PMCID: PMC8962531

University of Washington Department of Laboratory Medicine, University of Washington
Classification: Likely benign for Hereditary cancer-predisposing syndrome. Last evaluated: 2023-03-23. Review status: criteria provided, single submitter. Criteria: Dines et al. (Genet Med. 2020). Collection method: curation. Allele origin: germline.
Comment: Missense variant in a coldspot region where missense variants are very unlikely to be pathogenic (PMID:31911673).

BRCA2 exon 10 coldspot. Reclassification based on statistical prior probability.

Labcorp Genetics (formerly Invitae), Labcorp
Classification: Uncertain significance for Hereditary breast ovarian cancer syndrome. Last evaluated: 2022-12-15. Review status: criteria provided, single submitter. Criteria: Invitae Variant Classification Sherloc (09022015). Collection method: clinical testing. Allele origin: germline.
Comment: This variant has not been reported in the literature in individuals affected with BRCA2-related conditions. In summary, the available evidence is currently insufficient to determine the role of this variant in disease. Therefore, it has been classified as a Variant of Uncertain Significance. Advanced modeling of protein sequence and biophysical properties (such as structural, functional, and spatial information, amino acid conservation, physicochemical variation, residue mobility, and thermodynamic stability) performed at Invitae indicates that this missense variant is not expected to disrupt BRCA2 protein function. ClinVar contains an entry for this variant (Variation ID: 567041). This variant is not present in population databases (gnomAD no frequency). This sequence change replaces proline, which is neutral and non-polar, with arginine, which is basic and polar, at codon 453 of the BRCA2 protein (p.Pro453Arg).

Quest Diagnostics Nichols Institute San Juan Capistrano
Classification: Uncertain significance. Last evaluated: 2018-01-12. Review status: criteria provided, single submitter. Criteria: Quest Diagnostics criteria. Collection method: clinical testing. Allele origin: germline.

NM_000059.4(BRCA2):c.1358C>G (p.Pro453Arg)

Gene: BRCA2 (BRCA2 DNA repair associated; plus strand). Cytogenetic location: 13q13.1.
Variant type: single nucleotide variant.
Coding change: c.1358C>G on transcript NM_000059.4 (MANE Select); coding-DNA position 1358, C replaced by G.
Protein change: p.Pro453Arg; replaces proline 453 with arginine.
Molecular consequence: missense variant.
Genome position (GRCh38, 1-based): chr13:32,332,836, C>G. VCF-style: chr13-32332836-C-G. GRCh37 (hg19) VCF-style: chr13-32906973-C-G.
Other names: short protein forms P453R.
Identifiers: ClinVar variation 567041 (VCV000567041.13), dbSNP rs754587041, ClinGen allele CA387762815.